The following is an entry in ClinVar:

NM_052947.4(ALPK2):c.6347A>G (p.Lys2116Arg)

Gene: ALPK2 (alpha kinase 2; minus strand). Cytogenetic location: 18q21.31.
Variant type: single nucleotide variant.
Coding change: c.6347A>G on transcript NM_052947.4 (MANE Select); coding-DNA position 6347, A replaced by G.
Protein change: p.Lys2116Arg; replaces lysine 2116 with arginine.
Molecular consequence: missense variant.
Genome position (GRCh38, 1-based): chr18:58,481,989, T>C on the plus strand (A>G on the coding strand, the complement: ALPK2 is on the minus strand). VCF-style: chr18-58481989-T-C. GRCh37 (hg19) VCF-style: chr18-56149221-T-C.
Other names: short protein forms K2116R.
Identifiers: ClinVar variation 1752977 (VCV001752977.2), dbSNP rs1602178531, ClinGen allele CA402538694.
Genomic context (GRCh38, chr18:58,481,989, plus strand): 5'-TTGTTTTGAAGGGATTTCAGTCCCAGCATTTTGCAATACTTGTTACACTGGTGTAGTGCT[T>C]TAAACTGATCAATGAAGGTCATGGAACAGTTGCCTTTAAATCCCTTGTACCTGTGAGTTT-3'
Protein context (NP_443179.3, residues 2106-2126): NCSMTFIDQF[Lys2116Arg]ALHQCNKYCK

ClinVar aggregate classification (germline): Uncertain significance (1 of 4 stars; one submission).

Allele frequency attached by ClinVar (database versions not stated): gnomAD exomes below 0.00001.
gnomAD v4.1: 1 of 1,614,218 alleles (0.000062%); highest among the groups gnomAD compares: Non-Finnish European, 0.000085%; no homozygotes.

Submission:

Ambry Genetics
Classification: Uncertain significance. Last evaluated: 2021-10-31. Review status: criteria provided, single submitter. Criteria: Ambry Variant Classification Scheme 2023. Collection method: clinical testing. Allele origin: germline.
Comment: The p.K2116R variant (also known as c.6347A>G), located in coding exon 12 of the ALPK2 gene, results from an A to G substitution at nucleotide position 6347. The lysine at codon 2116 is replaced by arginine, an amino acid with highly similar properties. This amino acid position is conserved. In addition, this alteration is predicted to be tolerated by in silico analysis. Since supporting evidence is limited at this time, the clinical significance of this alteration remains unclear.